The following is an entry in ClinVar:

ClinVar aggregate classification (germline): Likely pathogenic (1 of 4 stars; one submission).

Conditions:
Nephronophthisis 15 (NPHP15). Identifiers: Orphanet 3156, MedGen C3541853, MONDO:0013917, OMIM 614845.

Submission:

Labcorp Genetics (formerly Invitae), Labcorp
Classification: Likely pathogenic for Nephronophthisis 15. Last evaluated: 2022-11-08. Review status: criteria provided, single submitter. Criteria: Invitae Variant Classification Sherloc (09022015). Collection method: clinical testing. Allele origin: germline.
Comment: This variant is not present in population databases (gnomAD no frequency). In summary, the currently available evidence indicates that the variant is pathogenic, but additional data are needed to prove that conclusively. Therefore, this variant has been classified as Likely Pathogenic. Algorithms developed to predict the effect of sequence changes on RNA splicing suggest that this variant may disrupt the consensus splice site. This variant has not been reported in the literature in individuals affected with CEP164-related conditions. This variant results in the deletion of part of exon 12 (c.1318-13_1319del) of the CEP164 gene. It is expected to disrupt RNA splicing. Variants that disrupt the donor or acceptor splice site typically lead to a loss of protein function (PMID: 16199547), and loss-of-function variants in CEP164 are known to be pathogenic (PMID: 22863007, 28125082, 32367404, 34132027, 34499853).

Literature cited by the submitters: PubMed 16199547; PubMed 22863007; PubMed 28125082; PubMed 32367404; PubMed 34132027; PubMed 34499853.

NM_014956.5(CEP164):c.1318-13_1319del

Gene: CEP164 (centrosomal protein 164; plus strand). Cytogenetic location: 11q23.3.
Variant type: Deletion.
Coding change: c.1318-13_1319del on transcript NM_014956.5 (MANE Select); 13 bases into the intron before coding-DNA position 1318 through coding-DNA position 1319, 15 bases deleted (TTCTCTCCTACAGGC).
Molecular consequence: splice acceptor variant.
Genome position (GRCh38, 1-based): chr11:117,380,601-117,380,615, TTCTCTCCTACAGGC deleted; deleting any 15 consecutive bases within chr11:117,380,599-117,380,615 gives the same sequence; the c. name uses the placement nearest the transcript's 3' end. VCF-style (leftmost placement, unchanged base first): chr11-117380598-TGCTTCTCTCCTACAG-T. GRCh37 (hg19) VCF-style: chr11-117251314-TGCTTCTCTCCTACAG-T.
Other names: c.1318-13_1319del (NM_001271933.2).
Identifiers: ClinVar variation 2006838 (VCV002006838.4), dbSNP rs2541521563, ClinGen allele CA2580083500.